The following is an entry in ClinVar:

ClinVar aggregate classification (germline): Conflicting classifications of pathogenicity. Review status: criteria provided, conflicting classifications (1 of 4 stars). 5 submissions from 5 submitters: Uncertain significance (4); Likely benign (1). Last evaluated 2025-12-24.

Conditions:
Cardiovascular phenotype. Identifiers: MedGen CN230736.
Arrhythmogenic cardiomyopathy with wooly hair and keratoderma. Also called: Dilated cardiomyopathy with woolly hair and keratoderma; Arrhythmogenic cardiomyopathy with woolly hair and keratoderma; PALMOPLANTAR KERATODERMA WITH LEFT VENTRICULAR CARDIOMYOPATHY AND WOOLLY HAIR; Carvajal syndrome. Identifiers: Orphanet 65282, MedGen C1854063, MONDO:0011581, OMIM 605676.
Arrhythmogenic right ventricular dysplasia 8 (ARVD8). Also called: Arrhythmogenic Right Ventricular Dysplasia/Cardiomyopathy 8; ARRHYTHMOGENIC RIGHT VENTRICULAR DYSPLASIA, FAMILIAL, 8; ARRHYTHMOGENIC RIGHT VENTRICULAR CARDIOMYOPATHY 8. Identifiers: MedGen C1843896, MONDO:0011831, OMIM 607450.
Cardiomyopathy (CMYO). Also called: Cardiomyopathies. Identifiers: Orphanet 167848, MedGen C0878544, MONDO:0004994, HP:0001638. Inheritance: Various modes of inheritance.

Allele frequency attached by ClinVar (database versions not stated): gnomAD 0.00003; TOPMed 0.00003; ESP Exome Variant Server 0.00008.

Submissions (5):

Labcorp Genetics (formerly Invitae), Labcorp
Classification: Likely benign for Arrhythmogenic cardiomyopathy with wooly hair and keratoderma; Arrhythmogenic right ventricular dysplasia 8. Last evaluated: 2025-12-24. Review status: criteria provided, single submitter. Criteria: Invitae Variant Classification Sherloc (09022015). Collection method: clinical testing. Allele origin: germline.

All of Us Research Program, National Institutes of Health
Classification: Uncertain significance for Arrhythmogenic cardiomyopathy with wooly hair and keratoderma. Last evaluated: 2024-06-09. Review status: criteria provided, single submitter. Criteria: ACMG Guidelines, 2015. Collection method: clinical testing. Allele origin: germline. Inheritance: Autosomal dominant inheritance. Observed: 3 variant alleles, 3 heterozygotes.
Comment: This missense variant replaces aspartic acid with asparagine at codon 203 of the DSP protein. Computational prediction suggests that this variant may not impact protein structure and function (internally defined REVEL score threshold <= 0.5, PMID: 27666373). To our knowledge, functional studies have not been reported for this variant. This variant has been reported in at least two individuals affected with dilated cardiomyopathy (PMID: 24503780, 27532257, 34935411). This variant has been identified in 2/31386 chromosomes in the general population by the Genome Aggregation Database (gnomAD). The available evidence is insufficient to determine the role of this variant in disease conclusively. Therefore, this variant is classified as a Variant of Uncertain Significance.

This study involves interpretation of variants in research participants for the purpose of population health screening. Participant phenotype was not available at the time of variant classification. Additional details can be found in publication PMID: 35346344, PMCID: PMC8962531

Color Diagnostics, LLC DBA Color Health
Classification: Uncertain significance for Cardiomyopathy. Last evaluated: 2024-05-23. Review status: criteria provided, single submitter. Criteria: ACMG Guidelines, 2015. Collection method: clinical testing. Allele origin: germline.
Comment: This missense variant replaces aspartic acid with asparagine at codon 203 of the DSP protein. Computational prediction suggests that this variant may not impact protein structure and function. To our knowledge, functional studies have not been reported for this variant. This variant has been reported in at least two individuals affected with dilated cardiomyopathy (PMID: 24503780, 27532257, 34935411). This variant has been identified in 2/31386 chromosomes in the general population by the Genome Aggregation Database (gnomAD). The available evidence is insufficient to determine the role of this variant in disease conclusively. Therefore, this variant is classified as a Variant of Uncertain Significance.

Ambry Genetics
Classification: Uncertain significance for Cardiovascular phenotype. Last evaluated: 2021-06-02. Review status: criteria provided, single submitter. Criteria: Ambry Variant Classification Scheme 2023. Collection method: clinical testing. Allele origin: germline.

Laboratory for Molecular Medicine, Mass General Brigham Personalized Medicine
Classification: Uncertain significance. Last evaluated: 2016-05-18. Review status: criteria provided, single submitter. Criteria: LMM Criteria. Collection method: clinical testing. Allele origin: germline. Observed: 2 variant alleles.
Comment: This variant has been identified in 1/4406 African American chromosomes by the NHLBI Exome Sequencing Project (dbSNP rs374100807). Computational prediction tools and conservation analysis do not pr ovide strong support for or against an impact to the protein. In summary, the cl inical significance of the p.Asp203Asn variant is uncertain.

Literature cited by the submitters: PubMed 24503780 (cited by All of Us Research Program, National Institutes of Health and Color Diagnostics, LLC DBA Color Health); PubMed 27532257 (cited by All of Us Research Program, National Institutes of Health and Color Diagnostics, LLC DBA Color Health); PubMed 34935411 (cited by All of Us Research Program, National Institutes of Health and Color Diagnostics, LLC DBA Color Health).

NM_004415.4(DSP):c.607G>A (p.Asp203Asn)

Gene: DSP (desmoplakin; plus strand). Cytogenetic location: 6p24.3.
Variant type: single nucleotide variant.
Coding change: c.607G>A on transcript NM_004415.4 (MANE Select); coding-DNA position 607, G replaced by A.
Protein change: p.Asp203Asn; replaces aspartic acid 203 with asparagine.
Molecular consequence: missense variant.
Genome position (GRCh38, 1-based): chr6:7,562,661, G>A. VCF-style: chr6-7562661-G-A. GRCh37 (hg19) VCF-style: chr6-7562894-G-A.
Other names: c.607G>A, p.Asp203Asn (NM_001008844.3, NM_001319034.2); short protein forms D203N.
Identifiers: ClinVar variation 44935 (VCV000044935.18), dbSNP rs374100807, ClinGen allele CA006705.
Genomic context (GRCh38, chr6:7,562,661, plus strand): 5'-GGTGCAAAGGGGCAACAACAAAGGGCGCCTCTCTTTGTCTTTGTGTCGCAGGCGGAGATG[G>A]ACATGGTGGCCTGGGGTGTGGACCTGGCCTCAGTGGAGCAGCACATTAACAGCCACCGGG-3'
Protein context (NP_004406.2, residues 193-213): GWMRQQRAEM[Asp203Asn]MVAWGVDLAS